The following is an entry in ClinVar:

ClinVar aggregate classification (germline): Pathogenic/Likely pathogenic. Review status: criteria provided, multiple submitters, no conflicts (2 of 4 stars). 2 submissions from 2 submitters: Pathogenic (1); Likely pathogenic (1). Last evaluated 2023-07-17.

Conditions:
Joubert syndrome. Also called: Familial aplasia of the vermis; CEREBELLOPARENCHYMAL DISORDER IV; JOUBERT-BOLTSHAUSER SYNDROME. Identifiers: Orphanet 475, MedGen C5979921, MONDO:0018772.
Meckel-Gruber syndrome. Also called: Dysencephalia splachnocystica; DYSENCEPHALIA SPLANCHNOCYSTICA; GRUBER SYNDROME. Identifiers: Orphanet 564, MedGen C0265215, MONDO:0018921.
Joubert syndrome 7 (JBTS7). Identifiers: Orphanet 220497, MedGen C1969053, MONDO:0012694, OMIM 611560.

Submissions (2):

Victorian Clinical Genetics Services, Murdoch Childrens Research Institute
Classification: Pathogenic for Joubert syndrome 7. Last evaluated: 2023-07-17. Review status: criteria provided, single submitter. Criteria: ACMG Guidelines, 2015. Collection method: clinical testing. Allele origin: germline. Inheritance: Autosomal recessive inheritance. Affected: yes.
Comment: Based on the classification scheme VCGS_Germline_v1.3.4, this variant is classified as Pathogenic. Following criteria are met: 0102 - Loss of function is a known mechanism of disease in this gene and is associated with Joubert syndrome 7 (MIM#611560) and Meckel syndrome 5 (MIM#611561). (I) 0106 - This gene is associated with autosomal recessive disease. (I) 0210 - Splice site variant proven to affect splicing of the transcript with a known effect on protein sequence. RNA sequencing using a fibroblast cell line of this individual showed exon 5 skipping in ~35% of reads and a 15 nucleotide deletion of exon 5 in ~9.5% of reads (RDNow study). Exon 5 skipping is predicted to result in nonsense-mediated decay (NMD), whereas the 15 nucleotide deletion is predicted to result in an in-frame deletion of five amino acids, p.(Gly177_Gln181del). (SP) 0251 - This variant is heterozygous. (I) 0301 - Variant is absent from gnomAD (both v2 and v3). (SP) 0311 - An alternative nucleotide change at the same canonical splice region, is present in gnomAD (v2) (1 heterozygote, 0 homozygotes). (I) 0701 - Other variants comparable to the one identified in this case have very strong previous evidence for pathogenicity. Many NMD-predicted variants in this gene have been reported as likely pathogenic/pathogenic (ClinVar). (SP) 0803 - This variant has limited previous evidence of pathogenicity in an unrelated individual. This variant has been reported once as likely pathogenic (ClinVar). (SP) 0905 - No published segregation evidence has been identified for this variant. (I) 1007 - No published functional evidence has been identified for this variant. (I) Legend: (SP) - Supporting pathogenic, (I) - Information, (SB) - Supporting benign

Labcorp Genetics (formerly Invitae), Labcorp
Classification: Likely pathogenic for Joubert syndrome; Meckel-Gruber syndrome. Last evaluated: 2020-09-15. Review status: criteria provided, single submitter. Criteria: Invitae Variant Classification Sherloc (09022015). Collection method: clinical testing. Allele origin: germline.
Comment: In summary, the currently available evidence indicates that the variant is pathogenic, but additional data are needed to prove that conclusively. Therefore, this variant has been classified as Likely Pathogenic. Donor and acceptor splice site variants typically lead to a loss of protein function (PMID: 16199547), and loss-of-function variants in RPGRIP1L are known to be pathogenic (PMID: 17558409). Algorithms developed to predict the effect of sequence changes on RNA splicing suggest that this variant may disrupt the consensus splice site, but this prediction has not been confirmed by published transcriptional studies. This variant has not been reported in the literature in individuals with RPGRIP1L-related conditions. This variant is not present in population databases (ExAC no frequency). This sequence change affects an acceptor splice site in intron 4 of the RPGRIP1L gene. It is expected to disrupt RNA splicing and likely results in an absent or disrupted protein product.

Literature cited by the submitters: PubMed 16199547 (cited by Labcorp Genetics (formerly Invitae), Labcorp); PubMed 17558409 (cited by Labcorp Genetics (formerly Invitae), Labcorp).

NM_015272.5(RPGRIP1L):c.530-1G>C

Gene: RPGRIP1L (RPGRIP1 like; minus strand). Cytogenetic location: 16q12.2.
Variant type: single nucleotide variant.
Coding change: c.530-1G>C on transcript NM_015272.5 (MANE Select); the canonical splice acceptor site of the intron before coding-DNA position 530, G replaced by C.
Molecular consequence: splice acceptor variant.
Genome position (GRCh38, 1-based): chr16:53,687,966, C>G on the plus strand (G>C on the coding strand, the complement: RPGRIP1L is on the minus strand). VCF-style: chr16-53687966-C-G. GRCh37 (hg19) VCF-style: chr16-53721878-C-G.
Other names: c.530-1G>C (NM_001127897.4, NM_001330538.2, NM_001308334.3).
Identifiers: ClinVar variation 1065930 (VCV001065930.9), dbSNP rs2151325787, ClinGen allele CA395924597.
Genomic context (GRCh38, chr16:53,687,966, plus strand): 5'-CATATTTTGTAAACATGGGATGTGGAGTTTCTGCTACATCTGCATCTTGGAATTTTATAC[C>G]TAAAAACAAAGTAATAAAATATGATTACAGAATTGAAGTTAGAAAAGAAGGATCTTTGAT-3'